The following is an entry in ClinVar:

NM_014283.5(SUCO):c.538A>G (p.Ser180Gly)

Gene: SUCO (SUN domain containing ossification factor; plus strand). Cytogenetic location: 1q24.3.
Variant type: single nucleotide variant.
Coding change: c.538A>G on transcript NM_014283.5 (MANE Select); coding-DNA position 538, A replaced by G.
Protein change: p.Ser180Gly; replaces serine 180 with glycine.
Molecular consequence: missense variant. On other transcripts: 5 prime UTR variant (1).
Genome position (GRCh38, 1-based): chr1:172,557,374, A>G. VCF-style: chr1-172557374-A-G. GRCh37 (hg19) VCF-style: chr1-172526514-A-G.
Other names: c.427A>G, p.Ser143Gly (NM_001282750.2); c.-992A>G (NM_001282751.2); c.1012A>G, p.Ser338Gly (NM_016227.4); short protein forms S143G, S338G, S180G.
Identifiers: ClinVar variation 2741996 (VCV002741996.3), dbSNP rs1283528053, ClinGen allele CA343735051.

ClinVar aggregate classification (germline): Uncertain significance (1 of 4 stars; one submission).

Allele frequency attached by ClinVar (database versions not stated): gnomAD exomes below 0.00001; gnomAD 0.00001; TOPMed 0.00001.
gnomAD v4.1: 2 of 1,613,922 alleles (0.00012%); highest among the groups gnomAD compares: Admixed American, 0.0017%; no homozygotes.

Submission:

Labcorp Genetics (formerly Invitae), Labcorp
Classification: Uncertain significance. Last evaluated: 2024-12-02. Review status: criteria provided, single submitter. Criteria: Invitae Variant Classification Sherloc (09022015). Collection method: clinical testing. Allele origin: germline.
Comment: This sequence change replaces serine, which is neutral and polar, with glycine, which is neutral and non-polar, at codon 180 of the SUCO protein (p.Ser180Gly). This variant is not present in population databases (gnomAD no frequency). This variant has not been reported in the literature in individuals affected with SUCO-related conditions. ClinVar contains an entry for this variant (Variation ID: 2741996). An algorithm developed to predict the effect of missense changes on protein structure and function (PolyPhen-2) suggests that this variant is likely to be tolerated. In summary, the available evidence is currently insufficient to determine the role of this variant in disease. Therefore, it has been classified as a Variant of Uncertain Significance.